The following is an entry in ClinVar:

NM_001101.5(ACTB):c.378C>T (p.Thr126=)

Gene: ACTB (actin beta; minus strand). Cytogenetic location: 7p22.1.
Variant type: single nucleotide variant.
Coding change: c.378C>T on transcript NM_001101.5 (MANE Select); coding-DNA position 378, C replaced by T.
Protein change: p.Thr126=; no amino-acid change (threonine 126 retained).
Molecular consequence: synonymous variant.
Genome position (GRCh38, 1-based): chr7:5,528,705, G>A on the plus strand (C>T on the coding strand, the complement: ACTB is on the minus strand). VCF-style: chr7-5528705-G-A. GRCh37 (hg19) VCF-style: chr7-5568336-G-A.
Identifiers: ClinVar variation 1325960 (VCV001325960.7), dbSNP rs1197579915, ClinGen allele CA453639336.

ClinVar aggregate classification (germline): Likely benign. Review status: criteria provided, multiple submitters, no conflicts (2 of 4 stars). 3 submissions from 3 submitters: Likely benign (3). Last evaluated 2026-09-01.

Conditions:
Baraitser-Winter syndrome 1 (BRWS1). Also called: BARAITSER-WINTER SYNDROME 1, ATYPICAL; PACHYGYRIA, MENTAL RETARDATION, EPILEPSY, AND CHARACTERISTIC FACIES; MENTAL RETARDATION WITH EPILEPSY AND CHARACTERISTIC FACIES; Cerebrofrontofacial syndrome. Identifiers: Orphanet 2649, Orphanet 2995, MedGen C1855722, MONDO:0009470, OMIM 243310.

Allele frequency attached by ClinVar (database versions not stated): gnomAD 0.00001; gnomAD exomes 0.00001; TOPMed 0.00003.
gnomAD v4.1: 9 of 1,613,636 alleles (0.00056%); highest among the groups gnomAD compares: Admixed American, 0.01%; no homozygotes.

Submissions (3):

CeGaT Center for Human Genetics Tuebingen
Classification: Likely benign. Last evaluated: 2026-09-01. Review status: criteria provided, single submitter. Criteria: CeGaT Center For Human Genetics Tuebingen Variant Classification Criteria Version 2. Collection method: clinical testing. Allele origin: germline. Affected: yes. Observed: 1 variant allele.
Comment: ACTB: BP4, BP7

Labcorp Genetics (formerly Invitae), Labcorp
Classification: Likely benign for Baraitser-Winter syndrome 1. Last evaluated: 2023-10-13. Review status: criteria provided, single submitter. Criteria: Invitae Variant Classification Sherloc (09022015). Collection method: clinical testing. Allele origin: germline.

GeneDx
Classification: Likely benign. Last evaluated: 2021-05-17. Review status: criteria provided, single submitter. Criteria: GeneDx Variant Classification Process June 2021. Collection method: clinical testing. Allele origin: germline. Affected: yes.